The following is an entry in ClinVar:

NM_138694.4(PKHD1):c.11281C>T (p.Gln3761Ter)

Gene: PKHD1 (PKHD1 ciliary IPT domain containing fibrocystin/polyductin; minus strand). Cytogenetic location: 6p12.3.
Variant type: single nucleotide variant.
Coding change: c.11281C>T on transcript NM_138694.4 (MANE Select); coding-DNA position 11281, C replaced by T.
Protein change: p.Gln3761Ter; replaces glutamine 3761 with a stop codon.
Molecular consequence: nonsense.
Genome position (GRCh38, 1-based): chr6:51,649,114, G>A on the plus strand (C>T on the coding strand, the complement: PKHD1 is on the minus strand). VCF-style: chr6-51649114-G-A. GRCh37 (hg19) VCF-style: chr6-51513912-G-A.
Other names: short protein forms Q3761*.
Identifiers: ClinVar variation 2677778 (VCV002677778.3), dbSNP rs1020902474, ClinGen allele CA138892422.

ClinVar aggregate classification (germline): Likely pathogenic. Review status: criteria provided, multiple submitters, no conflicts (2 of 4 stars). 2 submissions from 2 submitters: Likely pathogenic (2). Last evaluated 2025-11-18.

Conditions:
Autosomal recessive polycystic kidney disease (ARPKD). Also called: AR polycystic kidney disease. Identifiers: Orphanet 731, Orphanet 8378, MedGen C0085548, MeSH D017044, MONDO:0009889.
Polycystic kidney disease 4 (PKD4). Also called: POLYCYSTIC KIDNEY AND HEPATIC DISEASE 1; POLYCYSTIC KIDNEY DISEASE, INFANTILE, TYPE I; PKD3; POLYCYSTIC KIDNEY DISEASE 4 WITH OR WITHOUT POLYCYSTIC LIVER DISEASE; Autosomal Recessive Polycystic Kidney Disease – PKHD1. Identifiers: MedGen C4540575, MONDO:0033004, OMIM 263200.

Submissions (2):

Natera, Inc.
Classification: Likely pathogenic for Autosomal recessive polycystic kidney disease. Last evaluated: 2025-11-18. Review status: criteria provided, single submitter. Criteria: Natera Variant Classification Schema (03/2026). Collection method: clinical testing. Allele origin: germline.
Comment: The c.11281C>T variant in PKHD1 is a nonsense variant predicted to introduce a stop codon at amino acid 3761. This variant is expected to result in nonsense mediated decay, truncation, or a dysfunctional protein product. This variant is rare in the general population with a frequency below the threshold expected for the associated phenotype(s). Given the available evidence, this variant is classified as Likely Pathogenic.

Baylor Genetics
Classification: Likely pathogenic for Polycystic kidney disease 4. Last evaluated: 2023-12-14. Review status: criteria provided, single submitter. Criteria: ACMG Guidelines, 2015. Collection method: clinical testing. Allele origin: unknown.